The following is an entry in ClinVar:

NM_001031710.3(KLHL7):c.191C>T (p.Ala64Val)

Gene: KLHL7 (kelch like family member 7; plus strand). Cytogenetic location: 7p15.3.
Variant type: single nucleotide variant.
Coding change: c.191C>T on transcript NM_001031710.3 (MANE Select); coding-DNA position 191, C replaced by T.
Protein change: p.Ala64Val; replaces alanine 64 with valine.
Molecular consequence: missense variant. On other transcripts: non-coding transcript variant (2).
Genome position (GRCh38, 1-based): chr7:23,123,847, C>T. VCF-style: chr7-23123847-C-T. GRCh37 (hg19) VCF-style: chr7-23163466-C-T.
Other names: c.47C>T, p.Ala16Val (NM_018846.5); c.191C>T, p.Ala64Val (NM_001172428.2); short protein forms A64V, A16V.
Identifiers: ClinVar variation 2101682 (VCV002101682.5), dbSNP rs2534805878, ClinGen allele CA366974691.

ClinVar aggregate classification (germline): Uncertain significance. Review status: criteria provided, multiple submitters, no conflicts (2 of 4 stars). 2 submissions from 2 submitters: Uncertain significance (2). Last evaluated 2023-10-05.

Submissions (2):

Blueprint Genetics
Classification: Uncertain significance. Last evaluated: 2023-10-05. Review status: criteria provided, single submitter. Criteria: ACMG Guidelines, 2015. Collection method: clinical testing. Allele origin: germline.

Labcorp Genetics (formerly Invitae), Labcorp
Classification: Uncertain significance. Last evaluated: 2022-02-22. Review status: criteria provided, single submitter. Criteria: Invitae Variant Classification Sherloc (09022015). Collection method: clinical testing. Allele origin: germline.
Comment: In summary, the available evidence is currently insufficient to determine the role of this variant in disease. Therefore, it has been classified as a Variant of Uncertain Significance. This sequence change replaces alanine, which is neutral and non-polar, with valine, which is neutral and non-polar, at codon 64 of the KLHL7 protein (p.Ala64Val). This variant is not present in population databases (gnomAD no frequency). This variant has not been reported in the literature in individuals affected with KLHL7-related conditions. Algorithms developed to predict the effect of missense changes on protein structure and function are either unavailable or do not agree on the potential impact of this missense change (SIFT: "Deleterious"; PolyPhen-2: "Possibly Damaging"; Align-GVGD: "Class C0").